The following is an entry in ClinVar:

NM_000179.3(MSH6):c.2278G>C (p.Glu760Gln)

Gene: MSH6 (mutS homolog 6; plus strand). Cytogenetic location: 2p16.3.
Variant type: single nucleotide variant.
Coding change: c.2278G>C on transcript NM_000179.3 (MANE Select); coding-DNA position 2278, G replaced by C.
Protein change: p.Glu760Gln; replaces glutamic acid 760 with glutamine.
Molecular consequence: missense variant.
Genome position (GRCh38, 1-based): chr2:47,800,261, G>C. VCF-style: chr2-47800261-G-C. GRCh37 (hg19) VCF-style: chr2-48027400-G-C.
Other names: c.1888G>C, p.Glu630Gln (NM_001281492.2); c.1372G>C, p.Glu458Gln (NM_001281493.2, NM_001281494.2); short protein forms E760Q, E458Q, E630Q.
Identifiers: ClinVar variation 565575 (VCV000565575.9), dbSNP rs1322642187, ClinGen allele CA346752874.

ClinVar aggregate classification (germline): Uncertain significance (1 of 4 stars; one submission).

Conditions:
Hereditary nonpolyposis colorectal neoplasms. Identifiers: MedGen C0009405, MeSH D003123.

Allele frequency attached by ClinVar (database versions not stated): gnomAD exomes below 0.00001.
gnomAD v4.1: 1 of 1,614,092 alleles (0.000062%); highest among the groups gnomAD compares: South Asian, 0.0011%; no homozygotes.

Submission:

Labcorp Genetics (formerly Invitae), Labcorp
Classification: Uncertain significance for Hereditary nonpolyposis colorectal neoplasms. Last evaluated: 2018-05-15. Review status: criteria provided, single submitter. Criteria: Invitae Variant Classification Sherloc (09022015). Collection method: clinical testing. Allele origin: germline.
Comment: This sequence change replaces glutamic acid with glutamine at codon 760 of the MSH6 protein (p.Glu760Gln). The glutamic acid residue is highly conserved and there is a small physicochemical difference between glutamic acid and glutamine. In summary, the available evidence is currently insufficient to determine the role of this variant in disease. Therefore, it has been classified as a Variant of Uncertain Significance. Algorithms developed to predict the effect of missense changes on protein structure and function are either unavailable or do not agree on the potential impact of this missense change (SIFT: "Tolerated"; PolyPhen-2: "Possibly Damaging"; Align-GVGD: "Class C0"). This variant has not been reported in the literature in individuals with MSH6-related disease. This variant is not present in population databases (ExAC no frequency).